The following is an entry in ClinVar:

NM_001367721.1(CASK):c.1819A>G (p.Thr607Ala)

Gene: CASK (calcium/calmodulin dependent serine protein kinase; minus strand). Cytogenetic location: Xp11.4.
Variant type: single nucleotide variant.
Coding change: c.1819A>G on transcript NM_001367721.1 (MANE Select); coding-DNA position 1819, A replaced by G.
Protein change: p.Thr607Ala; replaces threonine 607 with alanine.
Molecular consequence: missense variant.
Genome position (GRCh38, 1-based): chrX:41,555,623, T>C on the plus strand (A>G on the coding strand, the complement: CASK is on the minus strand). VCF-style: chrX-41555623-T-C. GRCh37 (hg19) VCF-style: chrX-41414876-T-C.
Other names: c.1750A>G, p.Thr584Ala (NM_001126054.3); c.1732A>G, p.Thr578Ala (NM_001126055.3); c.1801A>G, p.Thr601Ala (NM_001410745.1); c.1819A>G, p.Thr607Ala (NM_003688.4); short protein forms T578A, T584A, T607A, T601A.
Identifiers: ClinVar variation 1052557 (VCV001052557.9), dbSNP rs2065150872, ClinGen allele CA412993693.

ClinVar aggregate classification (germline): Uncertain significance. Review status: criteria provided, multiple submitters, no conflicts (2 of 4 stars). 2 submissions from 2 submitters: Uncertain significance (2). Last evaluated 2022-12-09.

Conditions:
Intellectual disability, CASK-related, X-linked. Identifiers: MedGen CN043158.

Allele frequency attached by ClinVar (database versions not stated): TOPMed below 0.00001.

Submissions (2):

GeneDx
Classification: Uncertain significance. Last evaluated: 2022-12-09. Review status: criteria provided, single submitter. Criteria: GeneDx Variant Classification Process June 2021. Collection method: clinical testing. Allele origin: germline. Affected: yes.
Comment: Not observed at significant frequency in large population cohorts (gnomAD); In silico analysis supports that this missense variant does not alter protein structure/function; Has not been previously published as pathogenic or benign to our knowledge

Labcorp Genetics (formerly Invitae), Labcorp
Classification: Uncertain significance for Intellectual disability, CASK-related, X-linked. Last evaluated: 2020-10-07. Review status: criteria provided, single submitter. Criteria: Invitae Variant Classification Sherloc (09022015). Collection method: clinical testing. Allele origin: germline.
Comment: In summary, the available evidence is currently insufficient to determine the role of this variant in disease. Therefore, it has been classified as a Variant of Uncertain Significance. Algorithms developed to predict the effect of missense changes on protein structure and function are either unavailable or do not agree on the potential impact of this missense change (SIFT: "Deleterious"; PolyPhen-2: "Benign"; Align-GVGD: "Class C55"). This variant has not been reported in the literature in individuals with CASK-related conditions. This variant is not present in population databases (ExAC no frequency). This sequence change replaces threonine with alanine at codon 607 of the CASK protein (p.Thr607Ala). The threonine residue is highly conserved and there is a small physicochemical difference between threonine and alanine.